The following is an entry in ClinVar:

NM_020693.4(DSCAML1):c.-21A>G

Gene: DSCAML1 (DS cell adhesion molecule like 1; minus strand). Cytogenetic location: 11q23.3.
Variant type: single nucleotide variant.
Coding change: c.-21A>G on transcript NM_020693.4 (MANE Select); 21 bases upstream of the start codon, A replaced by G.
Molecular consequence: 5 prime UTR variant. On other transcripts: intron variant (1).
Genome position (GRCh38, 1-based): chr11:117,797,100, T>C on the plus strand (A>G on the coding strand, the complement: DSCAML1 is on the minus strand). VCF-style: chr11-117797100-T-C. GRCh37 (hg19) VCF-style: chr11-117667815-T-C.
Other names: c.-21A>G (NM_001367904.1); c.-362-16290A>G (NM_001367905.1).
Identifiers: ClinVar variation 1943244 (VCV001943244.5), dbSNP rs2496887538, ClinGen allele CA382762275.
Genomic context (GRCh38, chr11:117,797,100, plus strand): 5'-GTAAAGAGTCCAGGAGCAGGAGGAAAGTTACCAGCCACATGCCATAAAGAGGCCCTATTC[T>C]CCGGGGAGGTGGTCCTGTGGCCGGCCGTGCGGCAGCGCCTCTCCCCCGCTCAGCGCGCTC-3'

ClinVar aggregate classification (germline): Uncertain significance (1 of 4 stars; one submission).

Allele frequency attached by ClinVar (database versions not stated): gnomAD exomes below 0.00001.
gnomAD v4.1: 5 of 1,588,032 alleles (0.00031%); highest among the groups gnomAD compares: Non-Finnish European, 0.00034%; no homozygotes.

Submission:

Labcorp Genetics (formerly Invitae), Labcorp
Classification: Uncertain significance. Last evaluated: 2022-03-27. Review status: criteria provided, single submitter. Criteria: Invitae Variant Classification Sherloc (09022015). Collection method: clinical testing. Allele origin: germline.
Comment: In summary, the available evidence is currently insufficient to determine the role of this variant in disease. Therefore, it has been classified as a Variant of Uncertain Significance. Algorithms developed to predict the effect of missense changes on protein structure and function output the following: SIFT: "Deleterious"; PolyPhen-2: "Not Available"; Align-GVGD: "Class C0". The glycine amino acid residue is found in multiple mammalian species, which suggests that this missense change does not adversely affect protein function. This variant has not been reported in the literature in individuals affected with DSCAML1-related conditions. This variant is not present in population databases (gnomAD no frequency). This sequence change replaces arginine, which is basic and polar, with glycine, which is neutral and non-polar, at codon 54 of the DSCAML1 protein (p.Arg54Gly).